The following is an entry in ClinVar:

NM_015559.3(SETBP1):c.4640C>A (p.Thr1547Asn)

Gene: SETBP1 (SET binding protein 1; plus strand). Cytogenetic location: 18q12.3.
Variant type: single nucleotide variant.
Coding change: c.4640C>A on transcript NM_015559.3 (MANE Select); coding-DNA position 4640, C replaced by A.
Protein change: p.Thr1547Asn; replaces threonine 1547 with asparagine.
Molecular consequence: missense variant.
Genome position (GRCh38, 1-based): chr18:45,063,547, C>A. VCF-style: chr18-45063547-C-A. GRCh37 (hg19) VCF-style: chr18-42643512-C-A.
Other names: p.Thr1547Asn; c.4640C>A, p.Thr1547Asn (LRG_1150t1); short protein forms T1547N.
Identifiers: ClinVar variation 159882 (VCV000159882.17), dbSNP rs201973930, ClinGen allele CA173409.
Genomic context (GRCh38, chr18:45,063,547, plus strand): 5'-CGCCGCCCCTGCCGCCACCGCCGCCACCACCCCTGCCCCCGCCACCCCCTCTACCCAAGA[C>A]CCCCCGAGGCGGAAAGAGGAAACACAAACCGCAGGCCCCCGCTCAGCCCCCACAGCAGTC-3'
Protein context (NP_056374.2, residues 1537-1557): PLPPPPPLPK[Thr1547Asn]PRGGKRKHKP

ClinVar aggregate classification (germline): Benign/Likely benign. Review status: criteria provided, multiple submitters, no conflicts (2 of 4 stars). 6 submissions from 6 submitters: Benign (4); Likely benign (2). Last evaluated 2026-02-03.

Allele frequency attached by ClinVar (database versions not stated): gnomAD 0.00204; ExAC 0.00357; 1000 Genomes Project 30x 0.00531; 1000 Genomes Project 0.00579; TOPMed 0.00620; gnomAD exomes 0.01051.
gnomAD v4.1: 2,209 of 1,368,854 alleles (0.16%); highest among the groups gnomAD compares: Admixed American, 4.8%; 61 homozygotes.

Submissions (6):

Labcorp Genetics (formerly Invitae), Labcorp
Classification: Benign. Last evaluated: 2026-02-03. Review status: criteria provided, single submitter. Criteria: Invitae Variant Classification Sherloc (09022015). Collection method: clinical testing. Allele origin: germline.

Mayo Clinic Laboratories, Mayo Clinic
Classification: Benign. Last evaluated: 2019-11-26. Review status: criteria provided, single submitter. Criteria: ACMG Guidelines, 2015. Collection method: clinical testing. Allele origin: germline. Observed: 10 variant alleles.

GeneDx
Classification: Benign. Last evaluated: 2018-10-05. Review status: criteria provided, single submitter. Criteria: GeneDx Variant Classification Process June 2021. Collection method: clinical testing. Allele origin: germline. Affected: yes.

Center for Pediatric Genomic Medicine, Children's Mercy Hospital and Clinics
Classification: Likely benign. Last evaluated: 2016-11-28. Review status: criteria provided, single submitter. Criteria: ACMG Guidelines, 2015. Collection method: clinical testing. Allele origin: germline.
ClinVar note: Converted during submission from Likely Benign to Likely benign.

Genetic Services Laboratory, University of Chicago
Classification: Benign. Last evaluated: 2013-02-08. Review status: criteria provided, single submitter. Criteria: ACMG Guidelines, 2007. Collection method: clinical testing. Allele origin: germline. Inheritance: Autosomal dominant inheritance.

Breakthrough Genomics
Classification: Likely benign. Review status: criteria provided, single submitter. Criteria: ACMG Guidelines, 2015. Collection method: not provided. Allele origin: germline. Inheritance: Autosomal dominant inheritance. Affected: yes.